The following is an entry in ClinVar:

NM_000742.4(CHRNA2):c.937C>T (p.Leu313Phe)

Gene: CHRNA2 (cholinergic receptor nicotinic alpha 2 subunit; minus strand). Cytogenetic location: 8p21.2.
Variant type: single nucleotide variant.
Coding change: c.937C>T on transcript NM_000742.4 (MANE Select); coding-DNA position 937, C replaced by T.
Protein change: p.Leu313Phe; replaces leucine 313 with phenylalanine.
Molecular consequence: missense variant.
Genome position (GRCh38, 1-based): chr8:27,463,506, G>A on the plus strand (C>T on the coding strand, the complement: CHRNA2 is on the minus strand). VCF-style: chr8-27463506-G-A. GRCh37 (hg19) VCF-style: chr8-27321023-G-A.
Other names: c.892C>T, p.Leu298Phe (NM_001282455.2); c.460C>T, p.Leu154Phe (NM_001347705.2, NM_001347706.2); c.343C>T, p.Leu115Phe (NM_001347707.2, NM_001347708.2); short protein forms L313F, L115F, L298F, L154F.
Identifiers: ClinVar variation 282149 (VCV000282149.7), dbSNP rs886042322, ClinGen allele CA10604081.

ClinVar aggregate classification (germline): Conflicting classifications of pathogenicity. Review status: criteria provided, conflicting classifications (1 of 4 stars). 3 submissions from 3 submitters: Likely pathogenic (1); Uncertain significance (2). Last evaluated 2022-12-06.

Conditions:
Autosomal dominant nocturnal frontal lobe epilepsy 4. Also called: EPILEPSY, FAMILIAL, WITH NOCTURNAL WANDERING AND ICTAL FEAR; CHRNA2-Related Nocturnal Frontal Lobe Epilepsy, Autosomal Dominant. Identifiers: Orphanet 98784, MedGen C1835905, MONDO:0012474, OMIM 610353.

Submissions (3):

GeneDx
Classification: Uncertain significance. Last evaluated: 2022-12-06. Review status: criteria provided, single submitter. Criteria: GeneDx Variant Classification Process June 2021. Collection method: clinical testing. Allele origin: germline. Affected: yes.
Comment: Not observed at significant frequency in large population cohorts (gnomAD); In silico analysis supports that this missense variant has a deleterious effect on protein structure/function; Has not been previously published as pathogenic or benign to our knowledge

Eurofins Ntd Llc (ga)
Classification: Uncertain significance. Last evaluated: 2018-05-23. Review status: criteria provided, single submitter. Criteria: EGL ClinVar v180209 classification definitions. Collection method: clinical testing. Allele origin: germline. Observed: 1 variant allele, 1 heterozygote.

Cytogénomique, Hospices Civils de Lyon
Classification: Likely pathogenic for Autosomal dominant nocturnal frontal lobe epilepsy 4. Last evaluated: 2018-02-15. Review status: criteria provided, single submitter. Criteria: ACMG Guidelines, 2015. Collection method: clinical testing. Allele origin: de novo. Inheritance: Autosomal dominant inheritance. Affected: yes.